The following is an entry in ClinVar:

ClinVar aggregate classification (germline): Benign/Likely benign. Review status: criteria provided, multiple submitters, no conflicts (2 of 4 stars). 7 submissions from 7 submitters: Benign (3); Likely benign (3). 1 of the submissions does not count toward it. Last evaluated 2025-12-22.

Conditions:
Inborn genetic diseases. Identifiers: MedGen C0950123, MeSH D030342.
KIF11-related disorder. Also called: KIF11-related condition.

Allele frequency attached by ClinVar (database versions not stated): gnomAD exomes 0.00035; ExAC 0.00045; 1000 Genomes Project 30x 0.00078; 1000 Genomes Project 0.00080; gnomAD 0.00121 and 0.00128; ESP Exome Variant Server 0.00146; TOPMed 0.00147.
gnomAD v4.1: 398 of 1,579,086 alleles (0.025%); highest among the groups gnomAD compares: African/African-American, 0.49%; no homozygotes.

Submissions (7):

Labcorp Genetics (formerly Invitae), Labcorp
Classification: Benign. Last evaluated: 2025-12-22. Review status: criteria provided, single submitter. Criteria: Invitae Variant Classification Sherloc (09022015). Collection method: clinical testing. Allele origin: germline.

CeGaT Center for Human Genetics Tuebingen
Classification: Likely benign. Last evaluated: 2025-11-01. Review status: criteria provided, single submitter. Criteria: CeGaT Center For Human Genetics Tuebingen Variant Classification Criteria Version 2. Collection method: clinical testing. Allele origin: germline. Affected: yes. Observed: 2 variant alleles.
Comment: KIF11: BP4, BS1

Blueprint Genetics
Classification: Likely benign. Last evaluated: 2024-09-16. Review status: criteria provided, single submitter. Criteria: ACMG Guidelines, 2015. Collection method: clinical testing. Allele origin: germline.

Ambry Genetics
Classification: Likely benign for Inborn genetic diseases. Last evaluated: 2024-06-25. Review status: criteria provided, single submitter. Criteria: Ambry Variant Classification Scheme 2023. Collection method: clinical testing. Allele origin: germline.

Genetic Services Laboratory, University of Chicago
Classification: Benign. Last evaluated: 2018-01-19. Review status: criteria provided, single submitter. Criteria: ACMG Guidelines, 2015. Collection method: clinical testing. Allele origin: germline. Affected: no.

Breakthrough Genomics
Classification: Benign. Review status: criteria provided, single submitter. Criteria: ACMG Guidelines, 2015. Collection method: not provided. Allele origin: germline. Inheritance: Autosomal dominant inheritance. Affected: yes.

PreventionGenetics, part of Exact Sciences
Classification: Benign for KIF11-related condition. Last evaluated: 2020-04-27. Review status: no assertion criteria provided. Collection method: clinical testing. Allele origin: germline. Not counted in ClinVar's aggregate classification.
Comment: This variant is classified as benign based on ACMG/AMP sequence variant interpretation guidelines (Richards et al. 2015 PMID: 25741868, with internal and published modifications).

NM_004523.4(KIF11):c.1879G>T (p.Val627Leu)

Gene: KIF11 (kinesin family member 11; plus strand). Cytogenetic location: 10q23.33.
Variant type: single nucleotide variant.
Coding change: c.1879G>T on transcript NM_004523.4 (MANE Select); coding-DNA position 1879, G replaced by T.
Protein change: p.Val627Leu; replaces valine 627 with leucine.
Molecular consequence: missense variant.
Genome position (GRCh38, 1-based): chr10:92,637,187, G>T. VCF-style: chr10-92637187-G-T. GRCh37 (hg19) VCF-style: chr10-94396944-G-T.
Other names: short protein forms V627L.
Identifiers: ClinVar variation 211272 (VCV000211272.41), dbSNP rs142601912, ClinGen allele CA207796.